The following is an entry in ClinVar:

ClinVar aggregate classification (germline): Uncertain significance (1 of 4 stars; one submission).

Conditions:
Leigh syndrome (NULS). Also called: Leigh's necrotizing encephalopathy; Leigh's disease; Leigh Syndrome (mtDNA deletion); Leigh Disease; Subacute necrotizing encephalopathy; Necrotizing encephalopathy infantile subacute of Leigh. Identifiers: Orphanet 506, MedGen C2931891, MONDO:0009723, OMIM 256000.

Submission:

Wong Mito Lab, Molecular and Human Genetics, Baylor College of Medicine
Classification: Uncertain significance for Leigh syndrome. Last evaluated: 2019-10-17. Review status: criteria provided, single submitter. Criteria: Modified ACMG Guidelines (Unpublished). Collection method: clinical testing. Allele origin: germline.
Comment: The NC_012920.1:m.9752C>A (YP_003024032.1:p.Phe182Leu) variant in MTCO3 gene is interpretated to be a Uncertain Significance variant based on the modified ACMG guidelines (unpublished). This variant meets the following evidence codes: BP4

NC_012920.1(MT-CO3):m.9752C>A

Gene: MT-CO3 (mitochondrially encoded cytochrome c oxidase III; plus strand).
Variant type: single nucleotide variant.
Genome position: chrM-9752-C-A.
Identifiers: ClinVar variation 693217 (VCV000693217.1), dbSNP rs1569484321, ClinGen allele CA414803631.
Genomic context (GRCh38, chrMT:9,752, plus strand): 5'-ACTGCTTATTACAATTTTACTGGGTCTCTATTTTACCCTCCTACAAGCCTCAGAGTACTT[C>A]GAGTCTCCCTTCACCATTTCCGACGGCATCTACGGCTCAACATTTTTTGTAGCCACAGGC-3'